The following is an entry in ClinVar:

NM_033118.4(MYLK2):c.930G>C (p.Lys310Asn)

Gene: MYLK2 (myosin light chain kinase 2; plus strand). Cytogenetic location: 20q11.21.
Variant type: single nucleotide variant.
Coding change: c.930G>C on transcript NM_033118.4 (MANE Select); coding-DNA position 930, G replaced by C.
Protein change: p.Lys310Asn; replaces lysine 310 with asparagine.
Molecular consequence: missense variant.
Genome position (GRCh38, 1-based): chr20:31,824,310, G>C. VCF-style: chr20-31824310-G-C. GRCh37 (hg19) VCF-style: chr20-30412113-G-C.
Other names: short protein forms K310N.
Identifiers: ClinVar variation 4748915 (VCV004748915.1).

ClinVar aggregate classification (germline): Uncertain significance (1 of 4 stars; one submission).

Conditions:
Hypertrophic cardiomyopathy 1 (CMH1). Also called: Familial hypertrophic cardiomyopathy 1; MYH7-Related Familial Hypertrophic Cardiomyopathy. Identifiers: MedGen C3495498, MONDO:0008647, OMIM 192600.

Submission:

Labcorp Genetics (formerly Invitae), Labcorp
Classification: Uncertain significance for Hypertrophic cardiomyopathy 1. Last evaluated: 2025-05-30. Review status: criteria provided, single submitter. Criteria: Invitae Variant Classification Sherloc (09022015). Collection method: clinical testing. Allele origin: germline.
Comment: This sequence change replaces lysine, which is basic and polar, with asparagine, which is neutral and polar, at codon 310 of the MYLK2 protein (p.Lys310Asn). This variant is not present in population databases (gnomAD no frequency). This variant has not been reported in the literature in individuals affected with MYLK2-related conditions. Invitae Evidence Modeling of protein sequence and biophysical properties (such as structural, functional, and spatial information, amino acid conservation, physicochemical variation, residue mobility, and thermodynamic stability) indicates that this missense variant is not expected to disrupt MYLK2 protein function with a negative predictive value of 80%. In summary, the available evidence is currently insufficient to determine the role of this variant in disease. Therefore, it has been classified as a Variant of Uncertain Significance.